The following is an entry in ClinVar:

ClinVar aggregate classification (germline): Uncertain significance (1 of 4 stars; one submission).

Allele frequency attached by ClinVar (database versions not stated): gnomAD exomes below 0.00001.
gnomAD v4.1: 1 of 1,342,768 alleles (0.000074%); highest among the groups gnomAD compares: Non-Finnish European, 0.000095%; no homozygotes.

Submission:

GeneDx
Classification: Uncertain significance. Last evaluated: 2026-10-22. Review status: criteria provided, single submitter. Criteria: GeneDx Variant Classification Process June 2021. Collection method: clinical testing. Allele origin: germline.
Comment: Not observed at significant frequency in large population cohorts (gnomAD); In silico analysis suggests that this missense variant does not alter protein structure/function; Has not been previously published as pathogenic or benign to our knowledge

NM_003718.5(CDK13):c.13T>C (p.Ser5Pro)

Gene: CDK13 (cyclin dependent kinase 13; plus strand). Cytogenetic location: 7p14.1.
Variant type: single nucleotide variant.
Coding change: c.13T>C on transcript NM_003718.5 (MANE Select); coding-DNA position 13, T replaced by C.
Protein change: p.Ser5Pro; replaces serine 5 with proline.
Molecular consequence: missense variant.
Genome position (GRCh38, 1-based): chr7:39,950,654, T>C. VCF-style: chr7-39950654-T-C. GRCh37 (hg19) VCF-style: chr7-39990253-T-C.
Other names: c.13T>C, p.Ser5Pro (NM_031267.4); short protein forms S5P.
Identifiers: ClinVar variation 2501358 (VCV002501358.2), dbSNP rs2483665872, ClinGen allele CA367308193.